The following is an entry in ClinVar:

ClinVar aggregate classification (germline): Uncertain significance (1 of 4 stars; one submission).

Conditions:
Ichthyosis linearis circumflexa. Identifiers: MedGen C0265962, MONDO:0043106, HP:0025810.

Allele frequency attached by ClinVar (database versions not stated): gnomAD exomes below 0.00001 and 0.00002; gnomAD 0.00001; TOPMed 0.00001.
gnomAD v4.1: 13 of 1,612,052 alleles (0.00081%); highest among the groups gnomAD compares: Non-Finnish European, 0.001%; no homozygotes.

Submission:

Labcorp Genetics (formerly Invitae), Labcorp
Classification: Uncertain significance for Ichthyosis linearis circumflexa. Last evaluated: 2021-06-14. Review status: criteria provided, single submitter. Criteria: Invitae Variant Classification Sherloc (09022015). Collection method: clinical testing. Allele origin: germline.
Comment: In summary, the available evidence is currently insufficient to determine the role of this variant in disease. Therefore, it has been classified as a Variant of Uncertain Significance. This variant is not present in population databases (ExAC no frequency). This sequence change replaces threonine with isoleucine at codon 361 of the SPINK5 protein (p.Thr361Ile). The threonine residue is weakly conserved and there is a moderate physicochemical difference between threonine and isoleucine. This variant has not been reported in the literature in individuals with SPINK5-related conditions. Algorithms developed to predict the effect of missense changes on protein structure and function (SIFT, PolyPhen-2, Align-GVGD) all suggest that this variant is likely to be tolerated, but these predictions have not been confirmed by published functional studies and their clinical significance is uncertain.

NM_006846.4(SPINK5):c.1082C>T (p.Thr361Ile)

Gene: SPINK5 (serine peptidase inhibitor Kazal type 5; plus strand). Cytogenetic location: 5q32.
Variant type: single nucleotide variant.
Coding change: c.1082C>T on transcript NM_006846.4 (MANE Select); coding-DNA position 1082, C replaced by T.
Protein change: p.Thr361Ile; replaces threonine 361 with isoleucine.
Molecular consequence: missense variant.
Genome position (GRCh38, 1-based): chr5:148,099,305, C>T. VCF-style: chr5-148099305-C-T. GRCh37 (hg19) VCF-style: chr5-147478868-C-T.
Other names: c.1082C>T, p.Thr361Ile (NM_001127698.2, NM_001127699.2); short protein forms T361I.
Identifiers: ClinVar variation 1500438 (VCV001500438.8), dbSNP rs1193041573, ClinGen allele CA361635879.
Genomic context (GRCh38, chr5:148,099,305, plus strand): 5'-ATGAAGAAAAGAAAAAGGCTGAAGCACGAGCTAGAAACAAAAGAGAATCTGGAAAAGCAA[C>T]CTCATATGCAGTGAGTGGAATCCATCCAATAAATCCTATTTGGTGCTATAATTTGAACAA-3'
Protein context (NP_006837.2, residues 351-371): ARNKRESGKA[Thr361Ile]SYAELCSEYR